The following is an entry in ClinVar:

NM_001134831.2(AHI1):c.1841G>A (p.Cys614Tyr)

Gene: AHI1 (Abelson helper integration site 1; minus strand). Cytogenetic location: 6q23.3.
Variant type: single nucleotide variant.
Coding change: c.1841G>A on transcript NM_001134831.2 (MANE Select); coding-DNA position 1841, G replaced by A.
Protein change: p.Cys614Tyr; replaces cysteine 614 with tyrosine.
Molecular consequence: missense variant.
Genome position (GRCh38, 1-based): chr6:135,442,653, C>T on the plus strand (G>A on the coding strand, the complement: AHI1 is on the minus strand). VCF-style: chr6-135442653-C-T. GRCh37 (hg19) VCF-style: chr6-135763791-C-T.
Other names: c.1841G>A, p.Cys614Tyr (NM_001134830.2, NM_001134832.2, NM_001350503.2 and 2 more transcripts); short protein forms C614Y.
Identifiers: ClinVar variation 2630574 (VCV002630574.2), dbSNP rs765317933, ClinGen allele CA365744561.

ClinVar aggregate classification (germline): Uncertain significance. Review status: criteria provided, multiple submitters, no conflicts (2 of 4 stars). 2 submissions from 2 submitters: Uncertain significance (2). Last evaluated 2023-04-19.

Conditions:
AHI1-related disorder. Also called: AHI1-related condition.

Allele frequency attached by ClinVar (database versions not stated): TOPMed below 0.00001; gnomAD 0.00001.
gnomAD v4.1: 4 of 1,610,826 alleles (0.00025%); highest among the groups gnomAD compares: Non-Finnish European, 0.00034%; no homozygotes.

Submissions (2):

PreventionGenetics, part of Exact Sciences
Classification: Uncertain significance for AHI1-related condition. Last evaluated: 2023-04-19. Review status: criteria provided, single submitter. Criteria: ACMG Guidelines, 2015. Collection method: clinical testing. Allele origin: germline.
Comment: The AHI1 c.1841G>A variant is predicted to result in the amino acid substitution p.Cys614Tyr. To our knowledge, this variant has not been reported in the literature or in a large population database, indicating this variant is rare. At this time, the clinical significance of this variant is uncertain due to the absence of conclusive functional and genetic evidence.

Blueprint Genetics
Classification: Uncertain significance. Last evaluated: 2021-04-19. Review status: criteria provided, single submitter. Criteria: ACMG Guidelines, 2015. Collection method: clinical testing. Allele origin: germline.